The following is an entry in ClinVar:

NM_000434.4(NEU1):c.1039C>T (p.Arg347Ter)

Gene: NEU1 (neuraminidase 1; minus strand). Cytogenetic location: 6p21.33.
Variant type: single nucleotide variant.
Coding change: c.1039C>T on transcript NM_000434.4 (MANE Select); coding-DNA position 1039, C replaced by T.
Protein change: p.Arg347Ter; replaces arginine 347 with a stop codon.
Molecular consequence: nonsense.
Genome position (GRCh38, 1-based): chr6:31,859,928, G>A on the plus strand (C>T on the coding strand, the complement: NEU1 is on the minus strand). VCF-style: chr6-31859928-G-A. GRCh37 (hg19) VCF-style: chr6-31827705-G-A.
Other names: short protein forms R347*.
Identifiers: ClinVar variation 2734832 (VCV002734832.4), dbSNP rs1278279828, ClinGen allele CA363486116.
Genomic context (GRCh38, chr6:31,859,928, plus strand): 5'-GGCCTGGCCATAGCTGGACTGTCTCTTTCCGCCATGAGGTACCATTGCTGAAGCTCCATC[G>A]CAGGGTCAGGTTCACTCCTGGGGAGAGCAGGAGAGTCAGGGAGAGAGGGTCTCTGCCCAG-3'

ClinVar aggregate classification (germline): Pathogenic (1 of 4 stars; one submission).

gnomAD v4.1: 3 of 1,612,978 alleles (0.00019%); highest among the groups gnomAD compares: Non-Finnish European, 0.00025%; no homozygotes.

Submission:

Labcorp Genetics (formerly Invitae), Labcorp
Classification: Pathogenic. Last evaluated: 2023-04-23. Review status: criteria provided, single submitter. Criteria: Invitae Variant Classification Sherloc (09022015). Collection method: clinical testing. Allele origin: germline.
Comment: This sequence change creates a premature translational stop signal (p.Arg347*) in the NEU1 gene. While this is not anticipated to result in nonsense mediated decay, it is expected to disrupt the last 69 amino acid(s) of the NEU1 protein. This variant is not present in population databases (gnomAD no frequency). This premature translational stop signal has been observed in individual(s) with sialidosis (PMID: 14517945). This variant disrupts a region of the NEU1 protein in which other variant(s) (p.Tyr370Cys) have been determined to be pathogenic (PMID: 11063730). This suggests that this is a clinically significant region of the protein, and that variants that disrupt it are likely to be disease-causing. For these reasons, this variant has been classified as Pathogenic.

Literature cited by the submitters: PubMed 14517945; PubMed 11063730.